The following is an entry in ClinVar:

ClinVar aggregate classification (germline): Uncertain significance (1 of 4 stars; one submission).

Allele frequency attached by ClinVar (database versions not stated): gnomAD exomes 0.00001; gnomAD 0.00003; TOPMed 0.00004; ExAC 0.00007; ESP Exome Variant Server 0.00008; 1000 Genomes Project 0.00040; 1000 Genomes Project 30x 0.00078.
gnomAD v4.1: 21 of 1,612,792 alleles (0.0013%); highest among the groups gnomAD compares: African/African-American, 0.0067%; no homozygotes.

Submission:

Labcorp Genetics (formerly Invitae), Labcorp
Classification: Uncertain significance. Last evaluated: 2023-10-03. Review status: criteria provided, single submitter. Criteria: Invitae Variant Classification Sherloc (09022015). Collection method: clinical testing. Allele origin: germline.
Comment: This sequence change replaces serine, which is neutral and polar, with leucine, which is neutral and non-polar, at codon 40 of the NAXD protein (p.Ser40Leu). This variant is present in population databases (rs373011260, gnomAD 0.03%). This variant has not been reported in the literature in individuals affected with NAXD-related conditions. Advanced modeling of protein sequence and biophysical properties (such as structural, functional, and spatial information, amino acid conservation, physicochemical variation, residue mobility, and thermodynamic stability) performed at Invitae indicates that this missense variant is not expected to disrupt NAXD protein function. In summary, the available evidence is currently insufficient to determine the role of this variant in disease. Therefore, it has been classified as a Variant of Uncertain Significance.

NM_001242882.2(NAXD):c.65C>T (p.Ser22Leu)

Gene: NAXD (NAD(P)HX dehydratase; plus strand). Cytogenetic location: 13q34.
Variant type: single nucleotide variant.
Coding change: c.65C>T on transcript NM_001242882.2 (MANE Select); coding-DNA position 65, C replaced by T.
Protein change: p.Ser22Leu; replaces serine 22 with leucine.
Molecular consequence: missense variant. On other transcripts: non-coding transcript variant (2), intron variant (1).
Genome position (GRCh38, 1-based): chr13:110,622,234, C>T. VCF-style: chr13-110622234-C-T. GRCh37 (hg19) VCF-style: chr13-111274581-C-T.
Other names: c.119C>T, p.Ser40Leu (NM_001242881.2, NM_018210.4); c.57-5205C>T (NM_001242883.2); short protein forms S22L, S40L.
Identifiers: ClinVar variation 2978561 (VCV002978561.3), dbSNP rs373011260, ClinGen allele CA7051031.